The following is an entry in ClinVar:

NM_000780.4(CYP7A1):c.943G>A (p.Val315Met)

Gene: CYP7A1 (cytochrome P450 family 7 subfamily A member 1; minus strand). Cytogenetic location: 8q12.1.
Variant type: single nucleotide variant.
Coding change: c.943G>A on transcript NM_000780.4 (MANE Select); coding-DNA position 943, G replaced by A.
Protein change: p.Val315Met; replaces valine 315 with methionine.
Molecular consequence: missense variant.
Genome position (GRCh38, 1-based): chr8:58,494,602, C>T on the plus strand (G>A on the coding strand, the complement: CYP7A1 is on the minus strand). VCF-style: chr8-58494602-C-T. GRCh37 (hg19) VCF-style: chr8-59407161-C-T.
Other names: short protein forms V315M.
Identifiers: ClinVar variation 2319211 (VCV002319211.4), dbSNP rs147153175, ClinGen allele CA4756695.

ClinVar aggregate classification (germline): Uncertain significance. Review status: criteria provided, multiple submitters, no conflicts (2 of 4 stars). 2 submissions from 2 submitters: Uncertain significance (2). Last evaluated 2024-07-06.

Allele frequency attached by ClinVar (database versions not stated): TOPMed 0.00003; gnomAD 0.00007; ExAC 0.00016; gnomAD exomes 0.00018; ESP Exome Variant Server 0.00023.
gnomAD v4.1: 272 of 1,613,944 alleles (0.017%); highest among the groups gnomAD compares: Non-Finnish European, 0.021%; no homozygotes.

Submissions (2):

Labcorp Genetics (formerly Invitae), Labcorp
Classification: Uncertain significance. Last evaluated: 2024-07-06. Review status: criteria provided, single submitter. Criteria: Invitae Variant Classification Sherloc (09022015). Collection method: clinical testing. Allele origin: germline.
Comment: This sequence change replaces valine, which is neutral and non-polar, with methionine, which is neutral and non-polar, at codon 315 of the CYP7A1 protein (p.Val315Met). This variant is present in population databases (rs147153175, gnomAD 0.02%). This variant has not been reported in the literature in individuals affected with CYP7A1-related conditions. ClinVar contains an entry for this variant (Variation ID: 2319211). Advanced modeling of protein sequence and biophysical properties (such as structural, functional, and spatial information, amino acid conservation, physicochemical variation, residue mobility, and thermodynamic stability) performed at Invitae indicates that this missense variant is not expected to disrupt CYP7A1 protein function with a negative predictive value of 80%. In summary, the available evidence is currently insufficient to determine the role of this variant in disease. Therefore, it has been classified as a Variant of Uncertain Significance.

Ambry Genetics
Classification: Uncertain significance. Last evaluated: 2022-12-05. Review status: criteria provided, single submitter. Criteria: Ambry Variant Classification Scheme 2023. Collection method: clinical testing. Allele origin: germline.